The following is an entry in ClinVar:

ClinVar aggregate classification (germline): Uncertain significance. Review status: criteria provided, multiple submitters, no conflicts (2 of 4 stars). 5 submissions from 5 submitters: Uncertain significance (5). Last evaluated 2026-04-21.

Conditions:
MSH3-related disorder. Also called: MSH3-related condition.
Hereditary cancer-predisposing syndrome. Also called: Neoplastic Syndromes, Hereditary; Hereditary Cancer Syndrome; Tumor predisposition; Hereditary neoplastic syndrome. Identifiers: Orphanet 140162, MedGen C0027672, MeSH D009386, MONDO:0015356.

Allele frequency attached by ClinVar (database versions not stated): gnomAD 0.00001; TOPMed 0.00001.
gnomAD v4.1: 1 of 1,613,944 alleles (0.000062%); highest among the groups gnomAD compares: Admixed American, 0.0017%; no homozygotes.

Submissions (5):

PreventionGenetics, part of Exact Sciences
Classification: Uncertain significance for MSH3-related condition. Last evaluated: 2026-04-21. Review status: criteria provided, single submitter. Criteria: ACMG Guidelines, 2015. Collection method: clinical testing. Allele origin: germline.
Comment: The MSH3 c.2684C>A variant is predicted to result in the amino acid substitution p.Thr895Asn. To our knowledge, this variant has not been reported in the literature or in a large population database (gnomAD), indicating this variant is rare. This variant is interpreted as uncertain in ClinVar (Variation ID: 861927). At this time, the clinical significance of this variant is uncertain due to the absence of conclusive functional and genetic evidence.

Labcorp Genetics (formerly Invitae), Labcorp
Classification: Uncertain significance. Last evaluated: 2025-04-13. Review status: criteria provided, single submitter. Criteria: Invitae Variant Classification Sherloc (09022015). Collection method: clinical testing. Allele origin: germline.
Comment: This sequence change replaces threonine, which is neutral and polar, with asparagine, which is neutral and polar, at codon 895 of the MSH3 protein (p.Thr895Asn). This variant is not present in population databases (gnomAD no frequency). This variant has not been reported in the literature in individuals affected with MSH3-related conditions. ClinVar contains an entry for this variant (Variation ID: 861927). An algorithm developed to predict the effect of missense changes on protein structure and function (PolyPhen-2) suggests that this variant is likely to be disruptive. In summary, the available evidence is currently insufficient to determine the role of this variant in disease. Therefore, it has been classified as a Variant of Uncertain Significance.

Ambry Genetics
Classification: Uncertain significance for Hereditary cancer-predisposing syndrome. Last evaluated: 2023-12-01. Review status: criteria provided, single submitter. Criteria: Ambry Variant Classification Scheme 2023. Collection method: clinical testing. Allele origin: germline.
Comment: The p.T895N variant (also known as c.2684C>A), located in coding exon 20 of the MSH3 gene, results from a C to A substitution at nucleotide position 2684. The threonine at codon 895 is replaced by asparagine, an amino acid with similar properties. This amino acid position is highly conserved in available vertebrate species. In addition, the in silico prediction for this alteration is inconclusive. Since supporting evidence is limited at this time, the clinical significance of this alteration remains unclear.

Quest Diagnostics Nichols Institute San Juan Capistrano
Classification: Uncertain significance. Last evaluated: 2021-06-30. Review status: criteria provided, single submitter. Criteria: Quest Diagnostics criteria. Collection method: clinical testing. Allele origin: unknown.

Breakthrough Genomics
Classification: Uncertain significance. Review status: criteria provided, single submitter. Criteria: ACMG Guidelines, 2015. Collection method: not provided. Allele origin: germline. Inheritance: Autosomal recessive inheritance. Affected: yes.

NM_002439.5(MSH3):c.2684C>A (p.Thr895Asn)

Gene: MSH3 (mutS homolog 3; plus strand). Cytogenetic location: 5q14.1.
Variant type: single nucleotide variant.
Coding change: c.2684C>A on transcript NM_002439.5 (MANE Select); coding-DNA position 2684, C replaced by A.
Protein change: p.Thr895Asn; replaces threonine 895 with asparagine.
Molecular consequence: missense variant.
Genome position (GRCh38, 1-based): chr5:80,813,612, C>A. VCF-style: chr5-80813612-C-A. GRCh37 (hg19) VCF-style: chr5-80109431-C-A.
Other names: short protein forms T895N.
Identifiers: ClinVar variation 861927 (VCV000861927.13), dbSNP rs1745046566, ClinGen allele CA360273863.